The following is an entry in ClinVar:

NM_025257.3(SLC44A4):c.559_560inv (p.Val187Thr)

Gene: SLC44A4 (solute carrier family 44 member 4; minus strand). Cytogenetic location: 6p21.33.
Variant type: Inversion.
Coding change: c.559_560inv on transcript NM_025257.3 (MANE Select).
Protein change: p.Val187Thr; replaces valine 187 with threonine.
Molecular consequence: missense variant.
Genome position: GRCh38 VCF-style: chr6-31871531-AC-GT. GRCh37 (hg19) VCF-style: chr6-31839308-AC-GT.
Other names: c.433_434inv, p.Val145Thr (NM_001178044.2); c.331_332inv, p.Val111Thr (NM_001178045.2); short protein forms V111T, V187T, V145T.
Identifiers: ClinVar variation 3642180 (VCV003642180.2).

ClinVar aggregate classification (germline): Uncertain significance (1 of 4 stars; one submission).

Submission:

Labcorp Genetics (formerly Invitae), Labcorp
Classification: Uncertain significance. Last evaluated: 2024-02-20. Review status: criteria provided, single submitter. Criteria: Invitae Variant Classification Sherloc (09022015). Collection method: clinical testing. Allele origin: germline.
Comment: This sequence change replaces valine, which is neutral and non-polar, with threonine, which is neutral and polar, at codon 187 of the SLC44A4 protein (p.Val187Thr). The frequency data for this variant in the population databases is considered unreliable, as metrics indicate poor data quality at this position in the gnomAD database. This variant has not been reported in the literature in individuals affected with SLC44A4-related conditions. An algorithm developed to predict the effect of missense changes on protein structure and function (PolyPhen-2) suggests that this variant is likely to be tolerated. In summary, the available evidence is currently insufficient to determine the role of this variant in disease. Therefore, it has been classified as a Variant of Uncertain Significance.